The following is an entry in ClinVar:

ClinVar aggregate classification (germline): Uncertain significance (1 of 4 stars; one submission).

Allele frequency attached by ClinVar (database versions not stated): TOPMed below 0.00001; ESP Exome Variant Server 0.00009.
gnomAD v4.1: 5 of 1,196,462 alleles (0.00042%); highest among the groups gnomAD compares: Non-Finnish European, 0.00057%; no homozygotes.

Submission:

Labcorp Genetics (formerly Invitae), Labcorp
Classification: Uncertain significance. Last evaluated: 2025-03-04. Review status: criteria provided, single submitter. Criteria: Invitae Variant Classification Sherloc (09022015). Collection method: clinical testing. Allele origin: germline.
Comment: This sequence change replaces proline, which is neutral and non-polar, with arginine, which is basic and polar, at codon 1572 of the CACNA1F protein (p.Pro1572Arg). This variant is present in population databases (rs374468777, gnomAD 0.001%). This variant has not been reported in the literature in individuals affected with CACNA1F-related conditions. ClinVar contains an entry for this variant (Variation ID: 1936441). Invitae Evidence Modeling of protein sequence and biophysical properties (such as structural, functional, and spatial information, amino acid conservation, physicochemical variation, residue mobility, and thermodynamic stability) indicates that this missense variant is not expected to disrupt CACNA1F protein function with a negative predictive value of 80%. In summary, the available evidence is currently insufficient to determine the role of this variant in disease. Therefore, it has been classified as a Variant of Uncertain Significance.

NM_001256789.3(CACNA1F):c.4682C>G (p.Pro1561Arg)

Genes: CACNA1F (calcium voltage-gated channel subunit alpha1 F; minus strand), LOC126863257 (BRD4-independent group 4 enhancer GRCh37_chrX:49065732-49066931; plus strand). Cytogenetic location: Xp11.23.
Variant type: single nucleotide variant.
Coding change: c.4682C>G on transcript NM_001256789.3 (MANE Select); coding-DNA position 4682, C replaced by G.
Protein change: p.Pro1561Arg; replaces proline 1561 with arginine.
Molecular consequence: missense variant.
Genome position (GRCh38, 1-based): chrX:49,209,949, G>C on the plus strand (C>G on the coding strand, the complement: CACNA1F is on the minus strand). VCF-style: chrX-49209949-G-C. GRCh37 (hg19) VCF-style: chrX-49066409-G-C.
Other names: c.4520C>G, p.Pro1507Arg (NM_001256790.3); c.4715C>G, p.Pro1572Arg (NM_005183.4); short protein forms P1572R, P1507R, P1561R.
Identifiers: ClinVar variation 1936441 (VCV001936441.5), dbSNP rs374468777, ClinGen allele CA10410145.